The following is an entry in ClinVar:

NM_205836.3(FBXO38):c.3379G>A (p.Asp1127Asn)

Gene: FBXO38 (F-box protein 38; plus strand). Cytogenetic location: 5q32.
Variant type: single nucleotide variant.
Coding change: c.3379G>A on transcript NM_205836.3 (MANE Select); coding-DNA position 3379, G replaced by A.
Protein change: p.Asp1127Asn; replaces aspartic acid 1127 with asparagine.
Molecular consequence: missense variant.
Genome position (GRCh38, 1-based): chr5:148,441,228, G>A. VCF-style: chr5-148441228-G-A. GRCh37 (hg19) VCF-style: chr5-147820791-G-A.
Other names: c.2644G>A, p.Asp882Asn (NM_001271723.2); c.3154G>A, p.Asp1052Asn (NM_030793.5); short protein forms D1052N, D882N, D1127N.
Identifiers: ClinVar variation 473958 (VCV000473958.12), dbSNP rs145662452, ClinGen allele CA3497734.
Genomic context (GRCh38, chr5:148,441,228, plus strand): 5'-TGGCTGAGGTCATTACGAGCTGCAGAGCCCAACAGCTTCGCTCGATACGACTTTGAAGAC[G>A]ATGAAGAAAGTAATTATGACCTGACTTGACATCTATTCTCTAGTTTAAGTATAGCCTACT-3'
Protein context (NP_995308.1, residues 1117-1137): NSFARYDFED[Asp1127Asn]EESTIYAPRR

ClinVar aggregate classification (germline): Uncertain significance. Review status: criteria provided, multiple submitters, no conflicts (2 of 4 stars). 2 submissions from 2 submitters: Uncertain significance (2). Last evaluated 2026-05-18.

Conditions:
FBXO38-related disorder. Also called: FBXO38-related condition.
Distal hereditary motor neuropathy type 2. Identifiers: Orphanet 139525, MedGen C3711384, MeSH C580044, MONDO:0015352.

Allele frequency attached by ClinVar (database versions not stated): gnomAD exomes 0.00001 and 0.00003; ExAC 0.00003; ESP Exome Variant Server 0.00015; TOPMed 0.00015; gnomAD 0.00017 and 0.00021.
gnomAD v4.1: 47 of 1,611,618 alleles (0.0029%); highest among the groups gnomAD compares: African/African-American, 0.051%; no homozygotes.

Submissions (2):

PreventionGenetics, part of Exact Sciences
Classification: Uncertain significance for FBXO38-related condition. Last evaluated: 2026-05-18. Review status: criteria provided, single submitter. Criteria: ACMG Guidelines, 2015. Collection method: clinical testing. Allele origin: germline.
Comment: The FBXO38 c.3154G>A variant is predicted to result in the amino acid substitution p.Asp1052Asn. To our knowledge, this variant has not been reported in the literature. This variant is reported in 0.037% of alleles in individuals of African descent in gnomAD. Although we suspect that this variant may be benign, at this time, the clinical significance of this variant is uncertain due to the absence of conclusive functional and genetic evidence.

Labcorp Genetics (formerly Invitae), Labcorp
Classification: Uncertain significance for Distal hereditary motor neuropathy type 2. Last evaluated: 2025-06-04. Review status: criteria provided, single submitter. Criteria: Invitae Variant Classification Sherloc (09022015). Collection method: clinical testing. Allele origin: germline.
Comment: This sequence change replaces aspartic acid, which is acidic and polar, with asparagine, which is neutral and polar, at codon 1052 of the FBXO38 protein (p.Asp1052Asn). This variant is present in population databases (rs145662452, gnomAD 0.03%). This variant has not been reported in the literature in individuals affected with FBXO38-related conditions. ClinVar contains an entry for this variant (Variation ID: 473958). An algorithm developed to predict the effect of missense changes on protein structure and function (PolyPhen-2) suggests that this variant is likely to be disruptive. In summary, the available evidence is currently insufficient to determine the role of this variant in disease. Therefore, it has been classified as a Variant of Uncertain Significance.